The following is an entry in ClinVar:

NM_001130144.3(LTBP3):c.3024C>T (p.Gly1008=)

Genes: LTBP3 (latent transforming growth factor beta binding protein 3; minus strand), LOC121832793 (Sharpr-MPRA regulatory region 4001; plus strand). Cytogenetic location: 11q13.1.
Variant type: single nucleotide variant.
Coding change: c.3024C>T on transcript NM_001130144.3 (MANE Select); coding-DNA position 3024, C replaced by T.
Protein change: p.Gly1008=; no amino-acid change (glycine 1008 retained).
Molecular consequence: synonymous variant.
Genome position (GRCh38, 1-based): chr11:65,540,568, G>A on the plus strand (C>T on the coding strand, the complement: LTBP3 is on the minus strand). VCF-style: chr11-65540568-G-A. GRCh37 (hg19) VCF-style: chr11-65308039-G-A.
Other names: c.3024C>T (NM_001130144.2); c.2673C>T, p.Gly891= (NM_001164266.1); c.3024C>T, p.Gly1008= (NM_021070.4).
Identifiers: ClinVar variation 3667401 (VCV003667401.3).

ClinVar aggregate classification (germline): Uncertain significance. Review status: criteria provided, multiple submitters, no conflicts (2 of 4 stars). 2 submissions from 2 submitters: Uncertain significance (2). Last evaluated 2025-01-23.

Conditions:
Brachyolmia-amelogenesis imperfecta syndrome. Also called: PLATYSPONDYLY WITH AMELOGENESIS IMPERFECTA; Tooth agenesis, selective, 6; Dental anomalies and short stature. Identifiers: Orphanet 2899, MedGen C1832594, MONDO:0011018, OMIM 601216. Disease mechanism: loss of function.

gnomAD v4.1: 11 of 1,613,878 alleles (0.00068%); highest among the groups gnomAD compares: Non-Finnish European, 0.00076%; no homozygotes.

Submissions (2):

GeneDx
Classification: Uncertain significance. Last evaluated: 2025-01-23. Review status: criteria provided, single submitter. Criteria: GeneDx Variant Classification Process June 2021. Collection method: clinical testing. Allele origin: germline. Affected: yes.
Comment: In silico analysis supports a deleterious effect on splicing; Has not been previously published as pathogenic or benign to our knowledge

Labcorp Genetics (formerly Invitae), Labcorp
Classification: Uncertain significance for Brachyolmia-amelogenesis imperfecta syndrome. Last evaluated: 2024-05-26. Review status: criteria provided, single submitter. Criteria: Invitae Variant Classification Sherloc (09022015). Collection method: clinical testing. Allele origin: germline.
Comment: This sequence change affects codon 1008 of the LTBP3 mRNA. It is a 'silent' change, meaning that it does not change the encoded amino acid sequence of the LTBP3 protein. This variant is present in population databases (no rsID available, gnomAD 0.002%). This variant has not been reported in the literature in individuals affected with LTBP3-related conditions. Algorithms developed to predict the effect of sequence changes on RNA splicing suggest that this variant may disrupt the consensus splice site. In summary, the available evidence is currently insufficient to determine the role of this variant in disease. Therefore, it has been classified as a Variant of Uncertain Significance.